The following is an entry in ClinVar:

NM_000166.6(GJB1):c.766G>A (p.Asp256Asn)

Gene: GJB1 (gap junction protein beta 1; plus strand). Cytogenetic location: Xq13.1.
Variant type: single nucleotide variant.
Coding change: c.766G>A on transcript NM_000166.6 (MANE Select); coding-DNA position 766, G replaced by A.
Protein change: p.Asp256Asn; replaces aspartic acid 256 with asparagine.
Molecular consequence: missense variant.
Genome position (GRCh38, 1-based): chrX:71,224,473, G>A. VCF-style: chrX-71224473-G-A. GRCh37 (hg19) VCF-style: chrX-70444323-G-A.
Other names: c.766G>A, p.Asp256Asn (NM_001097642.3); short protein forms D256N.
Identifiers: ClinVar variation 965015 (VCV000965015.7), dbSNP rs1474185231, ClinGen allele CA413504017.

ClinVar aggregate classification (germline): Uncertain significance (1 of 4 stars; one submission).

Conditions:
Charcot-Marie-Tooth Neuropathy X. Identifiers: MedGen CN118851.

Allele frequency attached by ClinVar (database versions not stated): gnomAD exomes below 0.00001 and 0.00001.
gnomAD v4.1: 2 of 1,206,699 alleles (0.00017%); highest among the groups gnomAD compares: South Asian, 0.0018%; no homozygotes.

Submission:

Labcorp Genetics (formerly Invitae), Labcorp
Classification: Uncertain significance for Charcot-Marie-Tooth Neuropathy X. Last evaluated: 2025-06-13. Review status: criteria provided, single submitter. Criteria: Invitae Variant Classification Sherloc (09022015). Collection method: clinical testing. Allele origin: germline.
Comment: This sequence change replaces aspartic acid, which is acidic and polar, with asparagine, which is neutral and polar, at codon 256 of the GJB1 protein (p.Asp256Asn). The frequency data for this variant in the population databases is considered unreliable, as metrics indicate poor data quality at this position in the gnomAD database. This variant has not been reported in the literature in individuals affected with GJB1-related conditions. ClinVar contains an entry for this variant (Variation ID: 965015). Invitae Evidence Modeling of protein sequence and biophysical properties (such as structural, functional, and spatial information, amino acid conservation, physicochemical variation, residue mobility, and thermodynamic stability) indicates that this missense variant is not expected to disrupt GJB1 protein function with a negative predictive value of 95%. In summary, the available evidence is currently insufficient to determine the role of this variant in disease. Therefore, it has been classified as a Variant of Uncertain Significance.